The following is an entry in ClinVar:

ClinVar aggregate classification (germline): Uncertain significance (1 of 4 stars; one submission).

Allele frequency attached by ClinVar (database versions not stated): TOPMed 0.00001; gnomAD 0.00001; gnomAD exomes 0.00001.
gnomAD v4.1: 16 of 1,613,816 alleles (0.00099%); highest among the groups gnomAD compares: Non-Finnish European, 0.0014%; no homozygotes.

Submission:

Labcorp Genetics (formerly Invitae), Labcorp
Classification: Uncertain significance. Last evaluated: 2024-10-22. Review status: criteria provided, single submitter. Criteria: Invitae Variant Classification Sherloc (09022015). Collection method: clinical testing. Allele origin: germline.
Comment: This sequence change replaces methionine, which is neutral and non-polar, with valine, which is neutral and non-polar, at codon 864 of the MTHFD1 protein (p.Met864Val). This variant is present in population databases (no rsID available, gnomAD 0.007%). This variant has not been reported in the literature in individuals affected with MTHFD1-related conditions. ClinVar contains an entry for this variant (Variation ID: 1509106). Invitae Evidence Modeling of protein sequence and biophysical properties (such as structural, functional, and spatial information, amino acid conservation, physicochemical variation, residue mobility, and thermodynamic stability) indicates that this missense variant is not expected to disrupt MTHFD1 protein function with a negative predictive value of 80%. In summary, the available evidence is currently insufficient to determine the role of this variant in disease. Therefore, it has been classified as a Variant of Uncertain Significance.

NM_005956.4(MTHFD1):c.2590A>G (p.Met864Val)

Genes: MTHFD1 (methylenetetrahydrofolate dehydrogenase, cyclohydrolase and formyltetrahydrofolate synthetase 1; plus strand), ZBTB25 (zinc finger and BTB domain containing 25; minus strand). Cytogenetic location: 14q23.3.
Variant type: single nucleotide variant.
Coding change: c.2590A>G on transcript NM_005956.4 (MANE Select); coding-DNA position 2590, A replaced by G.
Protein change: p.Met864Val; replaces methionine 864 with valine.
Molecular consequence: missense variant. On other transcripts: intron variant (1).
Genome position (GRCh38, 1-based): chr14:64,454,747, A>G. VCF-style: chr14-64454747-A-G. GRCh37 (hg19) VCF-style: chr14-64921465-A-G.
Other names: c.2590A>G, p.Met864Val (NM_001364837.1); c.174-5109T>C (NM_001304508.1); short protein forms M864V.
Identifiers: ClinVar variation 1509106 (VCV001509106.8), dbSNP rs1368736054, ClinGen allele CA390003483.